The following is an entry in ClinVar:

NM_024642.5(GALNT12):c.232C>A (p.Arg78=)

Gene: GALNT12 (polypeptide N-acetylgalactosaminyltransferase 12; plus strand). Cytogenetic location: 9q22.33.
Variant type: single nucleotide variant.
Coding change: c.232C>A on transcript NM_024642.5 (MANE Select); coding-DNA position 232, C replaced by A.
Protein change: p.Arg78=; no amino-acid change (arginine 78 retained).
Molecular consequence: synonymous variant.
Genome position (GRCh38, 1-based): chr9:98,807,930, C>A. VCF-style: chr9-98807930-C-A. GRCh37 (hg19) VCF-style: chr9-101570212-C-A.
Identifiers: ClinVar variation 4876135 (VCV004876135.1).

ClinVar aggregate classification (germline): Benign (1 of 4 stars; one submission).

Conditions:
Colorectal cancer, susceptibility to, 1. Also called: COLORECTAL ADENOMA AND CANCER, SUSCEPTIBILITY TO; COLORECTAL CANCER, SUSCEPTIBILITY TO, ON CHROMOSOME 9. Identifiers: MedGen C1837315, MONDO:0012132, OMIM 608812.

Submission:

Myriad Genetics, Inc.
Classification: Benign for Colorectal cancer, susceptibility to, 1. Last evaluated: 2026-04-23. Review status: criteria provided, single submitter. Criteria: Myriad Autosomal Dominant, Autosomal Recessive and X-Linked Classification Criteria (2023). Collection method: clinical testing. Allele origin: unknown.
Comment: This variant is considered benign. This variant is a silent/synonymous amino acid change and it is not expected to impact splicing.